The following is an entry in ClinVar:

ClinVar aggregate classification (germline): Uncertain significance (1 of 4 stars; one submission).

Conditions:
Renal cell carcinoma. Identifiers: Orphanet 217071, MedGen C0007134, MeSH D002292, MONDO:0005086, HP:0005584.

Submission:

Labcorp Genetics (formerly Invitae), Labcorp
Classification: Uncertain significance for Renal cell carcinoma. Last evaluated: 2025-07-18. Review status: criteria provided, single submitter. Criteria: Invitae Variant Classification Sherloc (09022015). Collection method: clinical testing. Allele origin: germline.
Comment: This sequence change replaces proline, which is neutral and non-polar, with alanine, which is neutral and non-polar, at codon 1176 of the MET protein (p.Pro1176Ala). This variant is not present in population databases (gnomAD no frequency). This variant has not been reported in the literature in individuals affected with MET-related conditions. Invitae Evidence Modeling of protein sequence and biophysical properties (such as structural, functional, and spatial information, amino acid conservation, physicochemical variation, residue mobility, and thermodynamic stability) indicates that this missense variant is expected to disrupt MET protein function with a positive predictive value of 80%. In summary, the available evidence is currently insufficient to determine the role of this variant in disease. Therefore, it has been classified as a Variant of Uncertain Significance.

NM_000245.4(MET):c.3472C>G (p.Pro1158Ala)

Gene: MET (MET proto-oncogene, receptor tyrosine kinase; plus strand). Cytogenetic location: 7q31.2.
Variant type: single nucleotide variant.
Coding change: c.3472C>G on transcript NM_000245.4 (MANE Select); coding-DNA position 3472, C replaced by G.
Protein change: p.Pro1158Ala; replaces proline 1158 with alanine.
Molecular consequence: missense variant.
Genome position (GRCh38, 1-based): chr7:116,778,907, C>G. VCF-style: chr7-116778907-C-G. GRCh37 (hg19) VCF-style: chr7-116418961-C-G.
Other names: c.3526C>G, p.Pro1176Ala (NM_001127500.3); c.2182C>G, p.Pro728Ala (NM_001324402.2); short protein forms P1158A, P728A, P1176A.
Identifiers: ClinVar variation 4741145 (VCV004741145.1).